The following is an entry in ClinVar:

ClinVar aggregate classification (germline): Benign/Likely benign. Review status: criteria provided, multiple submitters, no conflicts (2 of 4 stars). 2 submissions from 2 submitters: Benign (1); Likely benign (1). Last evaluated 2022-10-01.

Allele frequency attached by ClinVar (database versions not stated): gnomAD 0.00838 and 0.00800; ExAC 0.00855; gnomAD exomes 0.00876; 1000 Genomes Project 30x 0.00297; 1000 Genomes Project 0.00359; TOPMed 0.00361; ESP Exome Variant Server 0.00516.
gnomAD v4.1: 11,746 of 1,600,892 alleles (0.73%); highest among the groups gnomAD compares: Non-Finnish European, 0.67%; 113 homozygotes.

Submissions (2):

CeGaT Center for Human Genetics Tuebingen
Classification: Likely benign. Last evaluated: 2022-10-01. Review status: criteria provided, single submitter. Criteria: CeGaT Center For Human Genetics Tuebingen Variant Classification Criteria Version 2. Collection method: clinical testing. Allele origin: germline. Affected: yes. Observed: 1 variant allele.
Comment: MEGF6: BP4, BS2

Labcorp Genetics (formerly Invitae), Labcorp
Classification: Benign. Last evaluated: 2018-03-29. Review status: criteria provided, single submitter. Criteria: Invitae Variant Classification Sherloc (09022015). Collection method: clinical testing. Allele origin: germline.

NM_001409.4(MEGF6):c.854-4C>A

Gene: MEGF6 (multiple EGF like domains 6; minus strand). Cytogenetic location: 1p36.32.
Variant type: single nucleotide variant.
Coding change: c.854-4C>A on transcript NM_001409.4 (MANE Select); 4 bases into the intron before coding-DNA position 854, C replaced by A.
Molecular consequence: intron variant.
Genome position (GRCh38, 1-based): chr1:3,512,132, G>T on the plus strand (C>A on the coding strand, the complement: MEGF6 is on the minus strand). VCF-style: chr1-3512132-G-T. GRCh37 (hg19) VCF-style: chr1-3428696-G-T.
Identifiers: ClinVar variation 782935 (VCV000782935.27), dbSNP rs192309515, ClinGen allele CA547515.